The following is an entry in ClinVar:

NM_001848.3(COL6A1):c.1738del (p.Gln580fs)

Gene: COL6A1 (collagen type VI alpha 1 chain; plus strand). Cytogenetic location: 21q22.3.
Variant type: Deletion.
Coding change: c.1738del on transcript NM_001848.3 (MANE Select); coding-DNA position 1738, one base deleted (C; older notation c.1738delC).
Protein change: p.Gln580fs; shifts the reading frame from glutamine 580.
Molecular consequence: frameshift variant.
Genome position (GRCh38, 1-based): chr21:45,999,216, C deleted; the last of 5 consecutive C bases (chr21:45,999,212-45,999,216); deleting any one gives the same sequence. VCF-style (leftmost placement, unchanged base first): chr21-45999211-GC-G. GRCh37 (hg19) VCF-style: chr21-47419125-GC-G.
Other names: short protein forms Q580fs.
Identifiers: ClinVar variation 1073810 (VCV001073810.7), dbSNP rs2123484530, ClinGen allele CA2499225992.

ClinVar aggregate classification (germline): Pathogenic (1 of 4 stars; one submission).

Conditions:
Bethlem myopathy 1A. Also called: MYOPATHY, BENIGN CONGENITAL, WITH CONTRACTURES; Bethlem Muscular Dystrophy; Bethlem myopathy 1. Identifiers: Orphanet 610, MedGen CN029274, MONDO:0024530, OMIM 158810.

Submission:

Labcorp Genetics (formerly Invitae), Labcorp
Classification: Pathogenic for Bethlem myopathy 1A. Last evaluated: 2023-05-08. Review status: criteria provided, single submitter. Criteria: Invitae Variant Classification Sherloc (09022015). Collection method: clinical testing. Allele origin: germline.
Comment: This variant is not present in population databases (gnomAD no frequency). This sequence change creates a premature translational stop signal (p.Gln580Argfs*22) in the COL6A1 gene. It is expected to result in an absent or disrupted protein product. Loss-of-function variants in COL6A1 are known to be pathogenic (PMID: 19884007, 20976770). This variant has not been reported in the literature in individuals affected with COL6A1-related conditions. For these reasons, this variant has been classified as Pathogenic. ClinVar contains an entry for this variant (Variation ID: 1073810).

Literature cited by the submitters: PubMed 19884007; PubMed 20976770.